The following is an entry in ClinVar:

NM_001164508.2(NEB):c.22215_22220delinsGC (p.Ile7405fs)

Genes: NEB (nebulin; minus strand), RIF1 (replication timing regulatory factor 1; plus strand). Cytogenetic location: 2q23.3.
Variant type: Indel.
Coding change: c.22215_22220delinsGC on transcript NM_001164508.2 (MANE Select); coding-DNA positions 22215 to 22220, CATGCT replaced by GC.
Protein change: p.Ile7405fs; shifts the reading frame from isoleucine 7405.
Molecular consequence: frameshift variant.
Genome position (GRCh38, 1-based): chr2:151,525,215-151,525,220, AGCATG replaced by GC on the plus strand (CATGCT replaced by GC on the coding strand, the reverse complement: NEB is on the minus strand). VCF-style: chr2-151525215-AGCATG-GC. GRCh37 (hg19) VCF-style: chr2-152381729-AGCATG-GC.
Other names: c.22320_22325delinsGC (NM_001271208.1); c.22215_22220delinsGC, p.Ile7405fs (NM_001164507.2); c.22320_22325delCATGCTinsGC, p.Ile7440Metfs (NM_001271208.1); c.22320_22325delinsGC, p.Ile7440fs (NM_001271208.2); c.17112_17117delinsGC, p.Ile5704fs (NM_004543.5); short protein forms I5704fs, I7405fs, I7440fs.
Identifiers: ClinVar variation 2677135 (VCV002677135.3), dbSNP rs2552113594, ClinGen allele CA2695196987.

ClinVar aggregate classification (germline): Likely pathogenic. Review status: criteria provided, multiple submitters, no conflicts (2 of 4 stars). 3 submissions from 3 submitters: Likely pathogenic (3). Last evaluated 2025-03-14.

Conditions:
Arthrogryposis multiplex congenita 6. Identifiers: MedGen C5543431, MONDO:0030281, OMIM 619334.
Nemaline myopathy 2 (NEM2). Also called: Nemaline myopathy 2, autosomal recessive. Identifiers: MedGen C1850569, MONDO:0009725, OMIM 256030.

Submissions (3):

Natera, Inc.
Classification: Likely pathogenic for Nemaline myopathy type 2. Last evaluated: 2025-03-14. Review status: criteria provided, single submitter. Criteria: Natera Variant Classification Schema (03/2026). Collection method: clinical testing. Allele origin: germline.
Comment: The c.22320_22325delinsGC variant in NEB is a frameshift variant predicted to shift the reading frame beginning at codon 7440 and leads to a stop codon 7 codons downstream. This variant is expected to result in nonsense mediated decay, truncation, or a dysfunctional protein product. This variant is rare in the general population with a frequency below the threshold expected for the associated phenotype(s). Given the available evidence, this variant is classified as Likely Pathogenic.

Fulgent Genetics
Classification: Likely pathogenic for Nemaline myopathy 2; Arthrogryposis multiplex congenita 6. Last evaluated: 2024-04-15. Review status: criteria provided, single submitter. Criteria: ACMG Guidelines, 2015. Collection method: clinical testing. Allele origin: germline.

Baylor Genetics
Classification: Likely pathogenic for Arthrogryposis multiplex congenita 6. Last evaluated: 2023-02-13. Review status: criteria provided, single submitter. Criteria: ACMG Guidelines, 2015. Collection method: clinical testing. Allele origin: unknown.